The following is an entry in ClinVar:

NM_024675.4(PALB2):c.3426_3429del (p.Leu1142fs)

Gene: PALB2 (partner and localizer of BRCA2; minus strand). Cytogenetic location: 16p12.2.
Variant type: Microsatellite.
Coding change: c.3426_3429del on transcript NM_024675.4 (MANE Select); coding-DNA positions 3426 to 3429, 4 bases deleted (ACTT; older notation c.3426_3429delACTT).
Protein change: p.Leu1142fs; shifts the reading frame from leucine 1142.
Molecular consequence: frameshift variant.
Genome position (GRCh38, 1-based): chr16:23,603,591-23,603,594, AAGT deleted on the plus strand (ACTT on the coding strand, the reverse complement: PALB2 is on the minus strand); deleting any 4 consecutive bases within chr16:23,603,591-23,603,598 gives the same sequence; the c. name uses the placement nearest the transcript's 3' end. VCF-style (leftmost placement, unchanged base first): chr16-23603590-GAAGT-G. GRCh37 (hg19) VCF-style: chr16-23614911-GAAGT-G.
Other names: c.3426_3429delACTT (NM_024675.3); short protein forms L1142fs.
Identifiers: ClinVar variation 185799 (VCV000185799.26), dbSNP rs587776424, ClinGen allele CA192987.

ClinVar aggregate classification (germline): Pathogenic. Review status: criteria provided, multiple submitters, no conflicts (2 of 4 stars). 9 submissions from 8 submitters: Pathogenic (6). 3 of the submissions do not count toward it. Last evaluated 2026-01-07.

Conditions:
Breast-ovarian cancer, familial, susceptibility to, 5 (BROVCA5). Identifiers: MedGen C5830615, MONDO:0957530, OMIM 620442.
Hereditary cancer-predisposing syndrome. Also called: Hereditary neoplastic syndrome; Neoplastic Syndromes, Hereditary; Tumor predisposition; Hereditary Cancer Syndrome. Identifiers: Orphanet 140162, MedGen C0027672, MeSH D009386, MONDO:0015356.
Familial cancer of breast. Also called: BREAST CANCER, FAMILIAL; Hereditary breast cancer; hereditary breast carcinoma. Identifiers: Orphanet 227535, MedGen C0346153, MONDO:0016419, OMIM 114480. Disease mechanism: loss of function.

Submissions (9):

GeneDx
Classification: Pathogenic. Last evaluated: 2026-01-07. Review status: criteria provided, single submitter. Criteria: GeneDx Variant Classification Process June 2021. Collection method: clinical testing. Allele origin: germline. Affected: yes.
Comment: Observed in individuals with a personal or family history consistent with pathogenic variants in this gene (PMID: 25099575, 30287823, 30128536, 34399810, 34196900, 38355628); Frameshift variant predicted to result in protein truncation in a gene for which loss of function is a known mechanism of disease; Truncating variants in this gene are considered pathogenic by a well-established clinical consortium and/or database; Not observed at significant frequency in large population cohorts (gnomAD); This variant is associated with the following publications: (PMID: 25099575, 30287823, 30128536, 34196900, 34399810, 29922827, 24485656, 19609323, 20871615, 38355628, 32191290)

Labcorp Genetics (formerly Invitae), Labcorp
Classification: Pathogenic for Familial cancer of breast. Last evaluated: 2024-12-28. Review status: criteria provided, single submitter. Criteria: Invitae Variant Classification Sherloc (09022015). Collection method: clinical testing. Allele origin: germline.
Comment: This sequence change creates a premature translational stop signal (p.Leu1142Phefs*20) in the PALB2 gene. While this is not anticipated to result in nonsense mediated decay, it is expected to disrupt the last 45 amino acid(s) of the PALB2 protein. This variant is present in population databases (rs751415161, gnomAD 0.0009%). This premature translational stop signal has been observed in individual(s) with a personal and/or family history of breast cancer (PMID: 25099575). This variant is also known as c.3423_3426del. ClinVar contains an entry for this variant (Variation ID: 185799). This variant disrupts a region of the PALB2 protein in which other variant(s) (p.Tyr1183*) have been determined to be pathogenic (PMID: 17200671). This suggests that this is a clinically significant region of the protein, and that variants that disrupt it are likely to be disease-causing. For these reasons, this variant has been classified as Pathogenic.

Ambry Genetics
Classification: Pathogenic for Hereditary cancer-predisposing syndrome. Last evaluated: 2024-11-21. Review status: criteria provided, single submitter. Criteria: Ambry Variant Classification Scheme 2023. Collection method: clinical testing. Allele origin: germline.
Comment: The c.3426_3429delACTT pathogenic mutation, located in coding exon 13 of the PALB2 gene, results from a deletion of 4 nucleotides at nucleotide positions 3426 to 3429, causing a translational frameshift with a predicted alternate stop codon (p.L1142Ffs*20). This alteration occurs at the 3' terminus of thePALB2 gene, is not expected to trigger nonsense-mediated mRNA decay, and only impacts the last 3.8% of the protein. However, premature stop codons are typically deleterious in nature and the impacted region is critical for protein function (Ambry internal data). This mutation (designated c.3423_3426del) was identified in a series of breast cancer families (Antoniou AC et al. N Engl J Med, 2014 Aug;371:497-506). This alteration was observed with an allele frequency of 0.00014 in 7,051 unselected female breast cancer patients and was observed with an allele frequency of 0 in 11,241 female controls of Japanese ancestry; this alteration was not observed in male patients or controls in this study (Momozawa Y et al. Nat Commun, 2018 Oct;9:4083). This variant is considered to be rare based on population cohorts in the Genome Aggregation Database (gnomAD). Based on the supporting evidence, this variant is interpreted as a disease-causing mutation.

KCCC/NGS Laboratory, Kuwait Cancer Control Center
Classification: Pathogenic for Breast-ovarian cancer, familial, susceptibility to, 5. Last evaluated: 2024-04-03. Review status: criteria provided, single submitter. Criteria: ACMG Guidelines, 2015. Collection method: clinical testing. Allele origin: germline. Inheritance: Autosomal dominant inheritance. Affected: yes. Observed: 1 heterozygote.
Comment: This sequence change creates a premature translational stop signal (p.Leu1142Phefs*20) in the PALB2 gene. While this is not anticipated to result in nonsense mediated decay, it is expected to disrupt the last 45 amino acid(s) of the PALB2 protein. This variant Not observed at significant frequency in large population cohorts (gnomAD). This premature translational stop signal has been observed in individual(s) with a personal and/or family history of breast cancer (PMID: 25099575, 30287823, 30128536, 34196900, 34399810, 29922827). This variant is also known as c.3423_3426del. ClinVar contains an entry for this variant (Variation ID: 185799). This variant disrupts a region of the PALB2 protein in which other variant(s) (p.Tyr1183*) have been determined to be pathogenic (PMID: 17200671). This suggests that this is a clinically significant region of the protein, and that variants that disrupt it are likely to be disease-causing. For these reasons, this variant has been classified as Pathogenic.

Quest Diagnostics Nichols Institute San Juan Capistrano
Classification: Pathogenic. Last evaluated: 2023-10-06. Review status: criteria provided, single submitter. Criteria: Quest Diagnostics criteria. Collection method: clinical testing. Allele origin: unknown.
Comment: The PALB2 c.3426_3429del (p.Leu1142Phefs*20) variant alters the translational reading frame of the PALB2 mRNA and causes the premature termination of PALB2 protein synthesis. This variant has been reported in the published literature in affected individuals with breast cancer (PMIDs: 25099575 (2014) and 30287823 (2018)), osteosarcoma (PMID: 32191290 (2020)), and in an individual with a family history of pancreatic cancer (PMID: 34399810 (2021)). Based on the available information, this variant is classified as pathogenic.

Myriad Genetics, Inc.
Classification: Pathogenic for Familial cancer of breast. Last evaluated: 2023-09-15. Review status: criteria provided, single submitter. Criteria: Myriad Autosomal Dominant, Autosomal Recessive and X-Linked Classification Criteria (2023). Collection method: clinical testing. Allele origin: unknown.
Comment: This variant is considered pathogenic. This variant creates a frameshift predicted to result in premature protein truncation.

Leiden Open Variation Database
Classification: Pathogenic. Last evaluated: 2020-02-28. Review status: no assertion criteria provided. Collection method: curation. Allele origin: germline. Affected: yes. Not counted in ClinVar's aggregate classification.
Comment: Curators: Marc Tischkowitz, Arleen D. Auerbach. Submitter to LOVD: Yukihide Momozawa.

SNPedia
Classification: Pathogenic. Review status: no assertion criteria provided. Collection method: not provided. Allele origin: germline. Not counted in ClinVar's aggregate classification.
ClinVar note: Converted during submission from pathogenic to Pathogenic.

Leiden Open Variation Database
Classification: Pathogenic for Familial cancer of breast. Last evaluated: 2019-05-13. Review status: flagged submission. Collection method: curation. Allele origin: germline. Affected: yes. Not counted in ClinVar's aggregate classification.
Comment: Curators: Marc Tischkowitz, Arleen D. Auerbach. Submitter to LOVD: Marc Tischkowitz.
ClinVar note: Reason: This record appears to be redundant with a more recent record from the same submitter.
ClinVar note: Notes: SCV001193406 appears to be redundant with SCV001193409.

Literature cited by the submitters: PubMed 25099575 (cited by 4 submitters); PubMed 17200671 (cited by Labcorp Genetics (formerly Invitae), Labcorp); PubMed 19609323 (cited by Ambry Genetics); PubMed 30287823 (cited by 3 submitters); PubMed 28319063 (cited by Quest Diagnostics Nichols Institute San Juan Capistrano); PubMed 34399810 (cited by Quest Diagnostics Nichols Institute San Juan Capistrano); PubMed 32191290 (cited by Quest Diagnostics Nichols Institute San Juan Capistrano).